The following is an entry in ClinVar:

NM_004370.6(COL12A1):c.2656T>A (p.Leu886Met)

Gene: COL12A1 (collagen type XII alpha 1 chain; minus strand). Cytogenetic location: 6q13.
Variant type: single nucleotide variant.
Coding change: c.2656T>A on transcript NM_004370.6 (MANE Select); coding-DNA position 2656, T replaced by A.
Protein change: p.Leu886Met; replaces leucine 886 with methionine.
Molecular consequence: missense variant. On other transcripts: intron variant (1).
Genome position (GRCh38, 1-based): chr6:75,175,092, A>T on the plus strand (T>A on the coding strand, the complement: COL12A1 is on the minus strand). VCF-style: chr6-75175092-A-T. GRCh37 (hg19) VCF-style: chr6-75884808-A-T.
Other names: c.74-22610T>A (NM_080645.3); short protein forms L886M.
Identifiers: ClinVar variation 2076264 (VCV002076264.4), dbSNP rs1276935665, ClinGen allele CA364761348.
Genomic context (GRCh38, chr6:75,175,092, plus strand): 5'-AATTACCTTCAAGTGTTGTTCCTTCACCAAAGAGGGCGTCTCCAGCCCCAGACGCATACA[A>T]GGCTGTCACAGATAAGGCGTATTGTGTCCCTTCCTTCAATCCCTGCAGCACCGTATTGGT-3'
Protein context (NP_004361.3, residues 876-896): GTQYALSVTA[Leu886Met]YASGAGDALF

ClinVar aggregate classification (germline): Uncertain significance (1 of 4 stars; one submission).

Conditions:
Ullrich congenital muscular dystrophy 2 (UCMD2). Identifiers: Orphanet 75840, MedGen C4225314, MONDO:0014654, OMIM 616470.
Bethlem myopathy 2 (BTHLM2). Identifiers: Orphanet 536516, Orphanet 610, MedGen C4225313, MONDO:0034022, OMIM 616471.

Submission:

Labcorp Genetics (formerly Invitae), Labcorp
Classification: Uncertain significance for Bethlem myopathy 2; Ullrich congenital muscular dystrophy 2. Last evaluated: 2022-01-31. Review status: criteria provided, single submitter. Criteria: Invitae Variant Classification Sherloc (09022015). Collection method: clinical testing. Allele origin: germline.
Comment: In summary, the available evidence is currently insufficient to determine the role of this variant in disease. Therefore, it has been classified as a Variant of Uncertain Significance. Algorithms developed to predict the effect of missense changes on protein structure and function are either unavailable or do not agree on the potential impact of this missense change (SIFT: "Deleterious"; PolyPhen-2: "Probably Damaging"; Align-GVGD: "Class C0"). This variant has not been reported in the literature in individuals affected with COL12A1-related conditions. This sequence change replaces leucine, which is neutral and non-polar, with methionine, which is neutral and non-polar, at codon 886 of the COL12A1 protein (p.Leu886Met). This variant is present in population databases (no rsID available, gnomAD 0.0009%).